The following is an entry in ClinVar:

NM_002769.5(PRSS1):c.16A>T (p.Ile6Phe)

Genes: PRSS1 (serine protease 1; plus strand), TRB (T cell receptor beta locus; plus strand). Cytogenetic location: 7q34.
Variant type: single nucleotide variant.
Coding change: c.16A>T on transcript NM_002769.5 (MANE Select); coding-DNA position 16, A replaced by T.
Protein change: p.Ile6Phe; replaces isoleucine 6 with phenylalanine.
Molecular consequence: missense variant.
Genome position (GRCh38, 1-based): chr7:142,749,500, A>T. VCF-style: chr7-142749500-A-T. GRCh37 (hg19) VCF-style: chr7-142457351-A-T.
Other names: short protein forms I6F.
Identifiers: ClinVar variation 1062630 (VCV001062630.12), dbSNP rs1585972378, ClinGen allele CA369606964.

ClinVar aggregate classification (germline): Uncertain significance. Review status: criteria provided, multiple submitters, no conflicts (2 of 4 stars). 2 submissions from 2 submitters: Uncertain significance (2). Last evaluated 2025-08-19.

Conditions:
Hereditary pancreatitis (PCTT). Also called: Hereditary chronic pancreatitis; PRSS1-Related Hereditary Pancreatitis. Identifiers: Orphanet 676, MedGen C0238339, MONDO:0008185, OMIM 167800.

Submissions (2):

Labcorp Genetics (formerly Invitae), Labcorp
Classification: Uncertain significance for Hereditary pancreatitis. Last evaluated: 2025-08-19. Review status: criteria provided, single submitter. Criteria: Invitae Variant Classification Sherloc (09022015). Collection method: clinical testing. Allele origin: germline.
Comment: This sequence change replaces isoleucine, which is neutral and non-polar, with phenylalanine, which is neutral and non-polar, at codon 6 of the PRSS1 protein (p.Ile6Phe). This variant is not present in population databases (gnomAD no frequency). This variant has not been reported in the literature in individuals affected with PRSS1-related conditions. ClinVar contains an entry for this variant (Variation ID: 1062630). An algorithm developed to predict the effect of missense changes on protein structure and function outputs the following: PolyPhen-2: "Benign". The phenylalanine amino acid residue is found in multiple mammalian species, which suggests that this missense change does not adversely affect protein function. In summary, the available evidence is currently insufficient to determine the role of this variant in disease. Therefore, it has been classified as a Variant of Uncertain Significance.

Ambry Genetics
Classification: Uncertain significance for Hereditary pancreatitis. Last evaluated: 2024-10-19. Review status: criteria provided, single submitter. Criteria: Ambry Variant Classification Scheme 2023. Collection method: clinical testing. Allele origin: germline.
Comment: The p.I6F variant (also known as c.16A>T), located in coding exon 1 of the PRSS1 gene, results from an A to T substitution at nucleotide position 16. The isoleucine at codon 6 is replaced by phenylalanine, an amino acid with highly similar properties. This amino acid position is conserved. In addition, this alteration is predicted to be tolerated by in silico analysis. Since supporting evidence is limited at this time, the clinical significance of this alteration remains unclear.